The following is an entry in ClinVar:

NM_003126.4(SPTA1):c.764A>G (p.Gln255Arg)

Gene: SPTA1 (spectrin alpha, erythrocytic 1; minus strand). Cytogenetic location: 1q23.1.
Variant type: single nucleotide variant.
Coding change: c.764A>G on transcript NM_003126.4 (MANE Select); coding-DNA position 764, A replaced by G.
Protein change: p.Gln255Arg; replaces glutamine 255 with arginine.
Molecular consequence: missense variant.
Genome position (GRCh38, 1-based): chr1:158,678,449, T>C on the plus strand (A>G on the coding strand, the complement: SPTA1 is on the minus strand). VCF-style: chr1-158678449-T-C. GRCh37 (hg19) VCF-style: chr1-158648239-T-C.
Other names: c.764A>G (NM_003126.2); short protein forms Q255R.
Identifiers: ClinVar variation 2436343 (VCV002436343.8), dbSNP rs201115611, ClinGen allele CA1184043.
Genomic context (GRCh38, chr1:158,678,449, plus strand): 5'-CCAGATCCATACCTTTTGAATCGTTGTAAGTTTGCAGCATTGGACAGAGCTTTCTGTCTC[T>C]GGAGAGCCAAACCACGAAGGCGCTCCCAGGCAGCATTCACCTCATTTTGCTTAGACTGAA-3'
Protein context (NP_003117.2, residues 245-265): AWERLRGLAL[Gln255Arg]RQKALSNAAN

ClinVar aggregate classification (germline): Uncertain significance. Review status: criteria provided, multiple submitters, no conflicts (2 of 4 stars). 3 submissions from 3 submitters: Uncertain significance (3). Last evaluated 2026-08-31.

Conditions:
SPTA1-related disorder. Also called: SPTA1-related condition; SPTA1-related disorders.

Allele frequency attached by ClinVar (database versions not stated): ExAC 0.00005; gnomAD 0.00007; ESP Exome Variant Server 0.00008; TOPMed 0.00009; gnomAD exomes 0.00024.
gnomAD v4.1: 379 of 1,613,704 alleles (0.023%); highest among the groups gnomAD compares: Non-Finnish European, 0.029%; no homozygotes.

Submissions (3):

PreventionGenetics, part of Exact Sciences
Classification: Uncertain significance for SPTA1-related condition. Last evaluated: 2026-08-31. Review status: criteria provided, single submitter. Criteria: ACMG Guidelines, 2015. Collection method: clinical testing. Allele origin: germline.
Comment: The SPTA1 c.764A>G variant is predicted to result in the amino acid substitution p.Gln255Arg. To our knowledge, this variant has not been reported in the literature. This variant is reported in 0.014% of alleles in individuals of European (Non-Finnish) descent in gnomAD. At this time, the clinical significance of this variant is uncertain due to the absence of conclusive functional and genetic evidence.

Ambry Genetics
Classification: Uncertain significance. Last evaluated: 2025-11-07. Review status: criteria provided, single submitter. Criteria: Ambry Variant Classification Scheme 2023. Collection method: clinical testing. Allele origin: germline.

Revvity Omics, Revvity
Classification: Uncertain significance. Last evaluated: 2024-03-25. Review status: criteria provided, single submitter. Criteria: ACMG Guidelines, 2015. Collection method: clinical testing. Allele origin: germline.